The following is an entry in ClinVar:

ClinVar aggregate classification (germline): Uncertain significance (1 of 4 stars; one submission).

Conditions:
Muscular dystrophy-dystroglycanopathy (congenital with brain and eye anomalies), type A9. Also called: WALKER-WARBURG SYNDROME OR MUSCLE-EYE BRAIN DISEASE, DAG1-RELATED; Muscular dystrophy-dystroglycanopathy (congenital with brain and eye anomalies), type a, 9. Identifiers: Orphanet 370997, Orphanet 899, MedGen C4225291, MONDO:0014683, OMIM 616538.
Autosomal recessive limb-girdle muscular dystrophy type 2P. Also called: MUSCULAR DYSTROPHY, LIMB-GIRDLE, TYPE 2P; MUSCULAR DYSTROPHY-DYSTROGLYCANOPATHY, LIMB-GIRDLE, DAG1-RELATED; Limb-Girdle Muscular Dystrophy Type 9C. Identifiers: Orphanet 280333, MedGen C4511963, MONDO:0013440, OMIM 613818.

Allele frequency attached by ClinVar (database versions not stated): gnomAD exomes below 0.00001; TOPMed below 0.00001.
gnomAD v4.1: 2 of 1,614,178 alleles (0.00012%); highest among the groups gnomAD compares: South Asian, 0.0011%; no homozygotes.

Submission:

Labcorp Genetics (formerly Invitae), Labcorp
Classification: Uncertain significance for Autosomal recessive limb-girdle muscular dystrophy type 2P; Muscular dystrophy-dystroglycanopathy (congenital with brain and eye anomalies), type A9. Last evaluated: 2021-08-15. Review status: criteria provided, single submitter. Criteria: Invitae Variant Classification Sherloc (09022015). Collection method: clinical testing. Allele origin: germline.
Comment: Algorithms developed to predict the effect of missense changes on protein structure and function (SIFT, PolyPhen-2, Align-GVGD) all suggest that this variant is likely to be tolerated, but these predictions have not been confirmed by published functional studies and their clinical significance is uncertain. In summary, the available evidence is currently insufficient to determine the role of this variant in disease. Therefore, it has been classified as a Variant of Uncertain Significance. This variant has not been reported in the literature in individuals with DAG1-related conditions. This variant is not present in population databases (ExAC no frequency). This sequence change replaces histidine with glutamine at codon 51 of the DAG1 protein (p.His51Gln). The histidine residue is moderately conserved and there is a small physicochemical difference between histidine and glutamine.

NM_004393.6(DAG1):c.153C>G (p.His51Gln)

Gene: DAG1 (dystroglycan 1; plus strand). Cytogenetic location: 3p21.31.
Variant type: single nucleotide variant.
Coding change: c.153C>G on transcript NM_004393.6 (MANE Select); coding-DNA position 153, C replaced by G.
Protein change: p.His51Gln; replaces histidine 51 with glutamine.
Molecular consequence: missense variant.
Genome position (GRCh38, 1-based): chr3:49,510,687, C>G. VCF-style: chr3-49510687-C-G. GRCh37 (hg19) VCF-style: chr3-49548120-C-G.
Other names: c.153C>G, p.His51Gln (NM_001177637.3, NM_001177638.3, NM_001177639.3 and 9 more transcripts); short protein forms H51Q.
Identifiers: ClinVar variation 1497352 (VCV001497352.8), dbSNP rs1329844909, ClinGen allele CA352800525.